The following is an entry in ClinVar:

ClinVar aggregate classification (germline): Pathogenic (1 of 4 stars; one submission).

Submission:

ISCA site 4
Classification: Pathogenic. Last evaluated: 2011-08-12. Review status: criteria provided, single submitter. Criteria: Kaminsky et al. (Genet Med. 2011). Collection method: clinical testing. Allele origin: unknown. Affected: yes. Observed: 1 variant allele.
Comment: Copy number variation identified through the course of routine clinical cytogenomic testing in postnatal populations. Clinical assertions have been curated as described in Kaminsky et al. 2011.

GRCh38/hg38 15q11.2-13.1(chr15:23319714-30361733)x3

Genes: APBA2 (amyloid beta precursor protein binding family A member 2; plus strand), ATP10A (ATPase phospholipid transporting 10A (putative); minus strand), ATP10A-DT (ATP10A divergent transcript; plus strand), CHRFAM7A (CHRNA7 (exons 5-10) and FAM7A (exons A-E) fusion; minus strand), ENTREP2 (endosomal transmembrane epsin interactor 2; minus strand) and 167 more. Cytogenetic location: 15q11.2-13.1.
Variant type: copy number gain.
Change: copy number 3 (three copies instead of two) of chr15:23,319,714-30,361,733 (7.04 Mb, GRCh38 coordinates, 1-based), cytogenetic band 15q11.2-13.1.
Identifiers: ClinVar variation 160989 (VCV000160989.1).